The following is an entry in ClinVar:

NM_000038.6(APC):c.1627-4G>A

Gene: APC (APC regulator of Wnt signaling pathway; plus strand). Cytogenetic location: 5q22.2.
Variant type: single nucleotide variant.
Coding change: c.1627-4G>A on transcript NM_000038.6 (MANE Select); 4 bases into the intron before coding-DNA position 1627, G replaced by A.
Molecular consequence: intron variant.
Genome position (GRCh38, 1-based): chr5:112,828,852, G>A. VCF-style: chr5-112828852-G-A. GRCh37 (hg19) VCF-style: chr5-112164549-G-A.
Other names: c.1627-4G>A (NM_001354895.2, NM_001127510.3); c.1657-4G>A (NM_001354897.2); c.1354-4G>A (NM_001354902.2); c.1573-4G>A (NM_001127511.3); c.1552-4G>A (NM_001354898.2); c.1249-4G>A (NM_001354904.2); c.778-4G>A (NM_001354906.2); c.1681-4G>A (NM_001354896.2); and 5 more.
Identifiers: ClinVar variation 2091126 (VCV002091126.5), dbSNP rs2149816788, ClinGen allele CA2556549950.

ClinVar aggregate classification (germline): Likely benign. Review status: criteria provided, multiple submitters, no conflicts (2 of 4 stars). 2 submissions from 2 submitters: Likely benign (2). Last evaluated 2025-01-23.

Conditions:
Familial adenomatous polyposis 1 (FAP1). Also called: POLYPOSIS, ADENOMATOUS INTESTINAL; FAMILIAL ADENOMATOUS POLYPOSIS 1, ATTENUATED. Identifiers: MedGen C2713442, MONDO:0021056, OMIM 175100. Disease mechanism: loss of function.

Submissions (2):

Labcorp Genetics (formerly Invitae), Labcorp
Classification: Likely benign for Familial adenomatous polyposis 1. Last evaluated: 2025-01-23. Review status: criteria provided, single submitter. Criteria: Invitae Variant Classification Sherloc (09022015). Collection method: clinical testing. Allele origin: germline.

Myriad Genetics, Inc.
Classification: Likely benign for Familial adenomatous polyposis 1. Last evaluated: 2024-03-06. Review status: criteria provided, single submitter. Criteria: Myriad Autosomal Dominant, Autosomal Recessive and X-Linked Classification Criteria (2023). Collection method: clinical testing. Allele origin: unknown.
Comment: This variant is considered likely benign. This variant is intronic and is not expected to impact mRNA splicing.